The following is an entry in ClinVar:

ClinVar aggregate classification (germline): Uncertain significance (1 of 4 stars; one submission).

Allele frequency attached by ClinVar (database versions not stated): gnomAD exomes 0.00001.

Submission:

Labcorp Genetics (formerly Invitae), Labcorp
Classification: Uncertain significance. Last evaluated: 2022-11-08. Review status: criteria provided, single submitter. Criteria: Invitae Variant Classification Sherloc (09022015). Collection method: clinical testing. Allele origin: germline.
Comment: This variant has not been reported in the literature in individuals affected with ANGPT1-related conditions. Algorithms developed to predict the effect of missense changes on protein structure and function (SIFT, PolyPhen-2, Align-GVGD) all suggest that this variant is likely to be tolerated. In summary, the available evidence is currently insufficient to determine the role of this variant in disease. Therefore, it has been classified as a Variant of Uncertain Significance. This sequence change replaces glutamic acid, which is acidic and polar, with alanine, which is neutral and non-polar, at codon 278 of the ANGPT1 protein (p.Glu278Ala). This variant is not present in population databases (gnomAD no frequency).

NM_001146.5(ANGPT1):c.833A>C (p.Glu278Ala)

Gene: ANGPT1 (angiopoietin 1; minus strand). Cytogenetic location: 8q23.1.
Variant type: single nucleotide variant.
Coding change: c.833A>C on transcript NM_001146.5 (MANE Select); coding-DNA position 833, A replaced by C.
Protein change: p.Glu278Ala; replaces glutamic acid 278 with alanine.
Molecular consequence: missense variant.
Genome position (GRCh38, 1-based): chr8:107,303,343, T>G on the plus strand (A>C on the coding strand, the complement: ANGPT1 is on the minus strand). VCF-style: chr8-107303343-T-G. GRCh37 (hg19) VCF-style: chr8-108315571-T-G.
Other names: c.830A>C, p.Glu277Ala (NM_001199859.3); c.233A>C, p.Glu78Ala (NM_001314051.2); short protein forms E277A, E278A, E78A.
Identifiers: ClinVar variation 2811472 (VCV002811472.3), dbSNP rs1814638490, ClinGen allele CA372033445.
Genomic context (GRCh38, chr8:107,303,343, plus strand): 5'-CCACTTTTATTAAAACCAGCTTGATATACATCTGCACAGTCTCTAAATGGTTTCTCTTCC[T>G]CTCTTTTTCCTCCCTTTAGTAAAACTGCAAAAAAAAAAAAAAAGATTGCAATATGTGAAT-3'
Protein context (NP_001137.2, residues 268-288): EGVLLKGGKR[Glu278Ala]EEKPFRDCAD